The following is an entry in ClinVar:

NM_004667.6(HERC2):c.10274C>T (p.Pro3425Leu)

Gene: HERC2 (HECT and RLD domain containing E3 ubiquitin protein ligase 2; minus strand). Cytogenetic location: 15q13.1.
Variant type: single nucleotide variant.
Coding change: c.10274C>T on transcript NM_004667.6 (MANE Select); coding-DNA position 10274, C replaced by T.
Protein change: p.Pro3425Leu; replaces proline 3425 with leucine.
Molecular consequence: missense variant.
Genome position (GRCh38, 1-based): chr15:28,168,546, G>A on the plus strand (C>T on the coding strand, the complement: HERC2 is on the minus strand). VCF-style: chr15-28168546-G-A. GRCh37 (hg19) VCF-style: chr15-28413692-G-A.
Other names: short protein forms P3425L.
Identifiers: ClinVar variation 377212 (VCV000377212.15), dbSNP rs147705404, ClinGen allele CA7440901.
Genomic context (GRCh38, chr15:28,168,546, plus strand): 5'-GGACTAGCCATCGCAGATGCGTCGGAAGGGGCCGCCGAGGAGAACGAGGGGCACTCCACC[G>A]GGGCGATCATGGCGGCCGGCATCAGGGCCCCGACAACAGCATCTCTGTCAGGACACAAAG-3'
Protein context (NP_004658.3, residues 3415-3435): GALMPAAMIA[Pro3425Leu]VECPSFSSAA

ClinVar aggregate classification (germline): Benign/Likely benign. Review status: criteria provided, multiple submitters, no conflicts (2 of 4 stars). 5 submissions from 5 submitters: Benign (1); Likely benign (4). Last evaluated 2026-02-01.

Allele frequency attached by ClinVar (database versions not stated): gnomAD exomes 0.00042; ExAC 0.00131; gnomAD 0.00366 and 0.00400; 1000 Genomes Project 0.00399; TOPMed 0.00439; 1000 Genomes Project 30x 0.00453; ESP Exome Variant Server 0.00507.
gnomAD v4.1: 1,197 of 1,614,176 alleles (0.074%); highest among the groups gnomAD compares: African/African-American, 1.4%; 11 homozygotes.

Submissions (5):

CeGaT Center for Human Genetics Tuebingen
Classification: Likely benign. Last evaluated: 2026-02-01. Review status: criteria provided, single submitter. Criteria: CeGaT Center For Human Genetics Tuebingen Variant Classification Criteria Version 2. Collection method: clinical testing. Allele origin: germline. Affected: yes. Observed: 3 variant alleles.
Comment: HERC2: BS1

Blueprint Genetics
Classification: Likely benign. Last evaluated: 2024-11-14. Review status: criteria provided, single submitter. Criteria: ACMG Guidelines, 2015. Collection method: clinical testing. Allele origin: germline.

Labcorp Genetics (formerly Invitae), Labcorp
Classification: Benign. Last evaluated: 2019-12-31. Review status: criteria provided, single submitter. Criteria: Invitae Variant Classification Sherloc (09022015). Collection method: clinical testing. Allele origin: germline.

Center for Pediatric Genomic Medicine, Children's Mercy Hospital and Clinics
Classification: Likely benign. Last evaluated: 2017-01-23. Review status: criteria provided, single submitter. Criteria: ACMG Guidelines, 2015. Collection method: clinical testing. Allele origin: germline.
ClinVar note: Converted during submission from Likely Benign to Likely benign.

Breakthrough Genomics
Classification: Likely benign. Review status: criteria provided, single submitter. Criteria: ACMG Guidelines, 2015. Collection method: not provided. Allele origin: germline. Inheritance: Autosomal recessive inheritance. Affected: yes.